The following is an entry in ClinVar:

NM_001365536.1(SCN9A):c.3136A>G (p.Met1046Val)

Genes: SCN1A-AS1 (SCN1A and SCN9A antisense RNA 1; plus strand), SCN9A (sodium voltage-gated channel alpha subunit 9; minus strand). Cytogenetic location: 2q24.3.
Variant type: single nucleotide variant.
Coding change: c.3136A>G on transcript NM_001365536.1 (MANE Select); coding-DNA position 3136, A replaced by G.
Protein change: p.Met1046Val; replaces methionine 1046 with valine.
Molecular consequence: missense variant.
Genome position (GRCh38, 1-based): chr2:166,272,614, T>C on the plus strand (A>G on the coding strand, the complement: SCN9A is on the minus strand). VCF-style: chr2-166272614-T-C. GRCh37 (hg19) VCF-style: chr2-167129124-T-C.
Other names: c.3103A>G, p.Met1035Val (NM_002977.4); short protein forms M1035V, M1046V.
Identifiers: ClinVar variation 1040112 (VCV001040112.9), dbSNP rs1697049272, ClinGen allele CA349073688.

ClinVar aggregate classification (germline): Uncertain significance (1 of 4 stars; one submission).

Conditions:
Generalized epilepsy with febrile seizures plus, type 7 (GEFSP7). Also called: GEFS+, TYPE 7. Identifiers: Orphanet 36387, MedGen C2751778, MONDO:0013470, OMIM 613863.
Neuropathy, hereditary sensory and autonomic, type 2A (HSAN2A). Also called: NEUROPATHY, CONGENITAL SENSORY; NEUROPATHY, HEREDITARY SENSORY RADICULAR, AUTOSOMAL RECESSIVE; NEUROPATHY, HEREDITARY SENSORY, TYPE IIA; NEUROPATHY, PROGRESSIVE SENSORY, OF CHILDREN; WNK1-Related HSAN2 (HSAN2A); MORVAN DISEASE. Identifiers: Orphanet 970, MedGen C2752089, MONDO:0024309, OMIM 201300.

Allele frequency attached by ClinVar (database versions not stated): gnomAD exomes below 0.00001.

Submission:

Labcorp Genetics (formerly Invitae), Labcorp
Classification: Uncertain significance for Neuropathy, hereditary sensory and autonomic, type 2A; Generalized epilepsy with febrile seizures plus, type 7. Last evaluated: 2021-08-16. Review status: criteria provided, single submitter. Criteria: Invitae Variant Classification Sherloc (09022015). Collection method: clinical testing. Allele origin: germline.
Comment: This sequence change replaces methionine with valine at codon 1035 of the SCN9A protein (p.Met1035Val). The methionine residue is moderately conserved and there is a small physicochemical difference between methionine and valine. This variant is not present in population databases (ExAC no frequency). In summary, the available evidence is currently insufficient to determine the role of this variant in disease. Therefore, it has been classified as a Variant of Uncertain Significance. Algorithms developed to predict the effect of sequence changes on RNA splicing suggest that this variant may create or strengthen a splice site, but this prediction has not been confirmed by published transcriptional studies. Algorithms developed to predict the effect of missense changes on protein structure and function (SIFT, PolyPhen-2, Align-GVGD) all suggest that this variant is likely to be tolerated, but these predictions have not been confirmed by published functional studies and their clinical significance is uncertain. This variant has not been reported in the literature in individuals with SCN9A-related conditions.